The following is an entry in ClinVar:

ClinVar aggregate classification (germline): Likely pathogenic. Review status: criteria provided, single submitter (1 of 4 stars). 2 submissions from 2 submitters: Likely pathogenic (1). 1 of the submissions does not count toward it. Last evaluated 2022-06-25.

Conditions:
Generalized epilepsy with febrile seizures plus, type 7 (GEFSP7). Also called: GEFS+, TYPE 7. Identifiers: Orphanet 36387, MedGen C2751778, MONDO:0013470, OMIM 613863.
Neuropathy, hereditary sensory and autonomic, type 2A (HSAN2A). Also called: MORVAN DISEASE; NEUROPATHY, CONGENITAL SENSORY; NEUROPATHY, HEREDITARY SENSORY RADICULAR, AUTOSOMAL RECESSIVE; NEUROPATHY, HEREDITARY SENSORY, TYPE IIA; NEUROPATHY, PROGRESSIVE SENSORY, OF CHILDREN; HSAN IIA. Identifiers: Orphanet 970, MedGen C2752089, MONDO:0024309, OMIM 201300.
Paroxysmal extreme pain disorder (PEXPD). Also called: PAIN, SUBMANDIBULAR, OCULAR, AND RECTAL, WITH FLUSHING; RECTAL PAIN, FAMILIAL; SCN9A Paroxysmal Extreme Pain Disorder (SCN9A-PEPD). Identifiers: Orphanet 46348, MedGen C1833661, MONDO:0008179, OMIM 167400.

Submissions (2):

Labcorp Genetics (formerly Invitae), Labcorp
Classification: Likely pathogenic for Neuropathy, hereditary sensory and autonomic, type 2A; Generalized epilepsy with febrile seizures plus, type 7. Last evaluated: 2022-06-25. Review status: criteria provided, single submitter. Criteria: Invitae Variant Classification Sherloc (09022015). Collection method: clinical testing. Allele origin: germline.
Comment: ClinVar contains an entry for this variant (Variation ID: 446178). This sequence change replaces isoleucine, which is neutral and non-polar, with asparagine, which is neutral and polar, at codon 1461 of the SCN9A protein (p.Ile1461Asn). This variant is not present in population databases (gnomAD no frequency). This missense change has been observed in individual(s) with familial episodic pain syndrome (Invitae). Advanced modeling of protein sequence and biophysical properties (such as structural, functional, and spatial information, amino acid conservation, physicochemical variation, residue mobility, and thermodynamic stability) performed at Invitae indicates that this missense variant is expected to disrupt SCN9A protein function. This variant disrupts the p.Ile1461 amino acid residue in SCN9A. Other variant(s) that disrupt this residue have been determined to be pathogenic (PMID: 17145499, 18599537, 19633428, 20038812, 21115638). This suggests that this residue is clinically significant, and that variants that disrupt this residue are likely to be disease-causing. In summary, the currently available evidence indicates that the variant is pathogenic, but additional data are needed to prove that conclusively. Therefore, this variant has been classified as Likely Pathogenic.

Xenon Pharmaceuticals, Inc.
Classification: Pathogenic for Paroxysmal Extreme Pain Disorder. Last evaluated: 2014-01-01. Review status: no assertion criteria provided. Collection method: clinical testing. Allele origin: germline. Affected: yes. Observed: 2 variant alleles. Not counted in ClinVar's aggregate classification.
Comment: Different variant at exact same position is known to cause same disease. See rs121908914.

Literature cited by the submitters: PubMed 17145499 (cited by Labcorp Genetics (formerly Invitae), Labcorp); PubMed 18599537 (cited by Labcorp Genetics (formerly Invitae), Labcorp); PubMed 19633428 (cited by Labcorp Genetics (formerly Invitae), Labcorp); PubMed 20038812 (cited by Labcorp Genetics (formerly Invitae), Labcorp); PubMed 21115638 (cited by Labcorp Genetics (formerly Invitae), Labcorp).

NM_001365536.1(SCN9A):c.4415T>A (p.Ile1472Asn)

Genes: SCN1A-AS1 (SCN1A and SCN9A antisense RNA 1; plus strand), SCN9A (sodium voltage-gated channel alpha subunit 9; minus strand). Cytogenetic location: 2q24.3.
Variant type: single nucleotide variant.
Coding change: c.4415T>A on transcript NM_001365536.1 (MANE Select); coding-DNA position 4415, T replaced by A.
Protein change: p.Ile1472Asn; replaces isoleucine 1472 with asparagine.
Molecular consequence: missense variant.
Genome position (GRCh38, 1-based): chr2:166,204,448, A>T on the plus strand (T>A on the coding strand, the complement: SCN9A is on the minus strand). VCF-style: chr2-166204448-A-T. GRCh37 (hg19) VCF-style: chr2-167060958-A-T.
Other names: c.4382T>A, p.Ile1461Asn (NM_002977.4); short protein forms I1461N, I1472N.
Identifiers: ClinVar variation 446178 (VCV000446178.6), dbSNP rs121908914, ClinGen allele CA349058419.